The following is an entry in ClinVar:

ClinVar aggregate classification (germline): Uncertain significance (1 of 4 stars; one submission).

Submission:

GeneDx
Classification: Uncertain significance. Last evaluated: 2024-05-21. Review status: criteria provided, single submitter. Criteria: GeneDx Variant Classification Process June 2021. Collection method: clinical testing. Allele origin: germline. Affected: yes.
Comment: Not observed at significant frequency in large population cohorts (gnomAD); In silico analysis supports that this missense variant has a deleterious effect on protein structure/function; Has not been previously published as pathogenic or benign to our knowledge

NM_004999.4(MYO6):c.28C>T (p.Pro10Ser)

Gene: MYO6 (myosin VI; plus strand). Cytogenetic location: 6q14.1.
Variant type: single nucleotide variant.
Coding change: c.28C>T on transcript NM_004999.4 (MANE Select); coding-DNA position 28, C replaced by T.
Protein change: p.Pro10Ser; replaces proline 10 with serine.
Molecular consequence: missense variant. On other transcripts: non-coding transcript variant (2).
Genome position (GRCh38, 1-based): chr6:75,817,575, C>T. VCF-style: chr6-75817575-C-T. GRCh37 (hg19) VCF-style: chr6-76527292-C-T.
Other names: c.28C>T, p.Pro10Ser (NM_001300899.2, NM_001368136.1, NM_001368137.1 and 5 more transcripts); short protein forms P10S.
Identifiers: ClinVar variation 3381591 (VCV003381591.1).
Genomic context (GRCh38, chr6:75,817,575, plus strand): 5'-TGGAAACAGGAGATCGTGGATCCTCCTTCAAAAATGGAGGATGGAAAGCCCGTTTGGGCG[C>T]CACACCCTACAGATGGATTTCAGATGGGCAATATTGTGGATATTGGCCCCGACAGCTTAA-3'
Protein context (NP_004990.3, residues 1-20): MEDGKPVWA[Pro10Ser]HPTDGFQMGN